The following is an entry in ClinVar:

ClinVar aggregate classification (germline): Uncertain significance (1 of 4 stars; one submission).

gnomAD v4.1: 1 of 1,265,164 alleles (0.000079%); highest among the groups gnomAD compares: Non-Finnish European, 0.0001%; no homozygotes.

Submission:

Labcorp Genetics (formerly Invitae), Labcorp
Classification: Uncertain significance. Last evaluated: 2025-11-02. Review status: criteria provided, single submitter. Criteria: Invitae Variant Classification Sherloc (09022015). Collection method: clinical testing. Allele origin: germline.
Comment: This sequence change replaces serine, which is neutral and polar, with glycine, which is neutral and non-polar, at codon 113 of the KMT2B protein (p.Ser113Gly). This variant is not present in population databases (gnomAD no frequency). This variant has not been reported in the literature in individuals affected with KMT2B-related conditions. Invitae Evidence Modeling of protein sequence and biophysical properties (such as structural, functional, and spatial information, amino acid conservation, physicochemical variation, residue mobility, and thermodynamic stability) indicates that this missense variant is not expected to disrupt KMT2B protein function with a negative predictive value of 80%. In summary, the available evidence is currently insufficient to determine the role of this variant in disease. Therefore, it has been classified as a Variant of Uncertain Significance.

NM_014727.3(KMT2B):c.337A>G (p.Ser113Gly)

Gene: KMT2B (lysine methyltransferase 2B; plus strand). Cytogenetic location: 19q13.12.
Variant type: single nucleotide variant.
Coding change: c.337A>G on transcript NM_014727.3 (MANE Select); coding-DNA position 337, A replaced by G.
Protein change: p.Ser113Gly; replaces serine 113 with glycine.
Molecular consequence: missense variant.
Genome position (GRCh38, 1-based): chr19:35,718,355, A>G. VCF-style: chr19-35718355-A-G. GRCh37 (hg19) VCF-style: chr19-36209257-A-G.
Other names: short protein forms S113G.
Identifiers: ClinVar variation 4773743 (VCV004773743.1).
Genomic context (GRCh38, chr19:35,718,355, plus strand): 5'-CGGGGACGGGGTCGGGGCCGGGGCTGGGGCCCGAGTCGAGGCTGCGTGCCGGAGGAGGAG[A>G]GCAGTGACGGGGAATCCGACGAGGAGGTGAGGCGGTTGGAGGCGTCCCCGGCGCCGGGTG-3'
Protein context (NP_055542.1, residues 103-123): PSRGCVPEEE[Ser113Gly]SDGESDEEEF